The following is an entry in ClinVar:

ClinVar aggregate classification (germline): Uncertain significance (1 of 4 stars; one submission).

Submission:

GeneDx
Classification: Uncertain significance. Last evaluated: 2023-06-23. Review status: criteria provided, single submitter. Criteria: GeneDx Variant Classification Process June 2021. Collection method: clinical testing. Allele origin: germline. Affected: yes.
Comment: Not observed at significant frequency in large population cohorts (gnomAD); In silico analysis supports that this missense variant does not alter protein structure/function; Has not been previously published as pathogenic or benign to our knowledge

NM_031407.7(HUWE1):c.2546A>G (p.Asp849Gly)

Gene: HUWE1 (HECT, UBA and WWE domain containing E3 ubiquitin protein ligase 1; minus strand). Cytogenetic location: Xp11.22.
Variant type: single nucleotide variant.
Coding change: c.2546A>G on transcript NM_031407.7 (MANE Select); coding-DNA position 2546, A replaced by G.
Protein change: p.Asp849Gly; replaces aspartic acid 849 with glycine.
Molecular consequence: missense variant.
Genome position (GRCh38, 1-based): chrX:53,604,785, T>C on the plus strand (A>G on the coding strand, the complement: HUWE1 is on the minus strand). VCF-style: chrX-53604785-T-C. GRCh37 (hg19) VCF-style: chrX-53631746-T-C.
Other names: short protein forms D849G.
Identifiers: ClinVar variation 3360325 (VCV003360325.1).
Genomic context (GRCh38, chrX:53,604,785, plus strand): 5'-ACTGAGCCCCCAGGGGATTCAATGGGGCGGTGTAAGGGCTCCAGGGAGGAGAGGATGGAG[T>C]CCAACTGAAGGAGACCCTCTTGAAGGACTTTGGGTTCATGTGACAGTGTCTGAAACAGGA-3'
Protein context (NP_113584.3, residues 839-859): KVLQEGLLQL[Asp849Gly]SILSSLEPLH